The following is an entry in ClinVar:

NM_001429.4(EP300):c.3500A>G (p.Lys1167Arg)

Gene: EP300 (EP300 lysine acetyltransferase; plus strand). Cytogenetic location: 22q13.2.
Variant type: single nucleotide variant.
Coding change: c.3500A>G on transcript NM_001429.4 (MANE Select); coding-DNA position 3500, A replaced by G.
Protein change: p.Lys1167Arg; replaces lysine 1167 with arginine.
Molecular consequence: missense variant.
Genome position (GRCh38, 1-based): chr22:41,157,407, A>G. VCF-style: chr22-41157407-A-G. GRCh37 (hg19) VCF-style: chr22-41553411-A-G.
Other names: c.3422A>G, p.Lys1141Arg (NM_001362843.2); short protein forms K1141R, K1167R.
Identifiers: ClinVar variation 4822559 (VCV004822559.5).

ClinVar aggregate classification (germline): Uncertain significance. Review status: criteria provided, multiple submitters, no conflicts (2 of 4 stars). 2 submissions from 2 submitters: Uncertain significance (2). Last evaluated 2026-02-01.

gnomAD v4.1: 20 of 1,613,768 alleles (0.0012%); highest among the groups gnomAD compares: Non-Finnish European, 0.00068%; no homozygotes.

Submissions (2):

CeGaT Center for Human Genetics Tuebingen
Classification: Uncertain significance. Last evaluated: 2026-02-01. Review status: criteria provided, single submitter. Criteria: CeGaT Center For Human Genetics Tuebingen Variant Classification Criteria Version 2. Collection method: clinical testing. Allele origin: germline. Affected: yes. Observed: 1 variant allele.
Comment: EP300: PP3

Blueprint Genetics
Classification: Uncertain significance. Last evaluated: 2024-05-08. Review status: criteria provided, single submitter. Criteria: ACMG Guidelines, 2015. Collection method: clinical testing. Allele origin: germline.